The following is an entry in ClinVar:

NM_016247.4(IMPG2):c.*2885C>A

Gene: IMPG2 (interphotoreceptor matrix proteoglycan 2; minus strand). Cytogenetic location: 3q12.3.
Variant type: single nucleotide variant.
Coding change: c.*2885C>A on transcript NM_016247.4 (MANE Select); 2885 bases downstream of the stop codon, C replaced by A.
Molecular consequence: 3 prime UTR variant.
Genome position (GRCh38, 1-based): chr3:101,224,084, G>T on the plus strand (C>A on the coding strand, the complement: IMPG2 is on the minus strand). VCF-style: chr3-101224084-G-T. GRCh37 (hg19) VCF-style: chr3-100942928-G-T.
Identifiers: ClinVar variation 342287 (VCV000342287.5), dbSNP rs77671634, ClinGen allele CA10614760.

ClinVar aggregate classification (germline): Likely benign (1 of 4 stars; one submission).

Conditions:
Retinitis pigmentosa (RP). Identifiers: Orphanet 791, MedGen C0035334, MeSH D012174, MONDO:0019200, OMIM 268000. Inheritance: Autosomal dominant, autosomal recessive and X linked inheritance.

Allele frequency attached by ClinVar (database versions not stated): gnomAD 0.00871 and 0.00918; TOPMed 0.01010; 1000 Genomes Project 0.01138; 1000 Genomes Project 30x 0.01218.

Submission:

Illumina Laboratory Services, Illumina
Classification: Likely benign for Retinitis pigmentosa. Last evaluated: 2018-01-13. Review status: criteria provided, single submitter. Criteria: ICSL Variant Classification Criteria 13 December 2019. Collection method: clinical testing. Allele origin: germline.
Comment: This variant was observed in the ICSL laboratory as part of a predisposition screen in an ostensibly healthy population. It had not been previously curated by ICSL or reported in the Human Gene Mutation Database (HGMD: prior to June 1st, 2018), and was therefore a candidate for classification through an automated scoring system. Utilizing variant allele frequency, disease prevalence and penetrance estimates, and inheritance mode, an automated score was calculated to assess if this variant is too frequent to cause the disease. Based on the score and internal cut-off values, a variant classified as likely benign is not then subjected to further curation. The score for this variant resulted in a classification of likely benign for this disease.